The following is an entry in ClinVar:

NM_001273.5(CHD4):c.752C>A (p.Pro251His)

Gene: CHD4 (chromodomain helicase DNA binding protein 4; minus strand). Cytogenetic location: 12p13.31.
Variant type: single nucleotide variant.
Coding change: c.752C>A on transcript NM_001273.5 (MANE Select); coding-DNA position 752, C replaced by A.
Protein change: p.Pro251His; replaces proline 251 with histidine.
Molecular consequence: missense variant.
Genome position (GRCh38, 1-based): chr12:6,601,336, G>T on the plus strand (C>A on the coding strand, the complement: CHD4 is on the minus strand). VCF-style: chr12-6601336-G-T. GRCh37 (hg19) VCF-style: chr12-6710502-G-T.
Other names: c.752C>A (NM_001273.2); c.731C>A, p.Pro244His (NM_001297553.2); c.752C>A, p.Pro251His (NM_001363606.2); short protein forms P244H, P251H.
Identifiers: ClinVar variation 3665280 (VCV003665280.3).

ClinVar aggregate classification (germline): Uncertain significance. Review status: criteria provided, multiple submitters, no conflicts (2 of 4 stars). 2 submissions from 2 submitters: Uncertain significance (2). Last evaluated 2025-01-22.

Conditions:
Inborn genetic diseases. Identifiers: MedGen C0950123, MeSH D030342.

gnomAD v4.1: 8 of 1,614,014 alleles (0.0005%); highest among the groups gnomAD compares: Admixed American, 0.01%; no homozygotes.

Submissions (2):

Ambry Genetics
Classification: Uncertain significance for Inborn genetic diseases. Last evaluated: 2025-01-22. Review status: criteria provided, single submitter. Criteria: Ambry Variant Classification Scheme 2023. Collection method: clinical testing. Allele origin: germline.

Labcorp Genetics (formerly Invitae), Labcorp
Classification: Uncertain significance. Last evaluated: 2024-10-20. Review status: criteria provided, single submitter. Criteria: Invitae Variant Classification Sherloc (09022015). Collection method: clinical testing. Allele origin: germline.
Comment: This sequence change replaces proline, which is neutral and non-polar, with histidine, which is basic and polar, at codon 251 of the CHD4 protein (p.Pro251His). This variant is present in population databases (rs759444267, gnomAD 0.009%). This variant has not been reported in the literature in individuals affected with CHD4-related conditions. Invitae Evidence Modeling of protein sequence and biophysical properties (such as structural, functional, and spatial information, amino acid conservation, physicochemical variation, residue mobility, and thermodynamic stability) indicates that this missense variant is not expected to disrupt CHD4 protein function with a negative predictive value of 80%. In summary, the available evidence is currently insufficient to determine the role of this variant in disease. Therefore, it has been classified as a Variant of Uncertain Significance.